The following is an entry in ClinVar:

NM_001366385.1(CARD14):c.1824_1825dup (p.Leu609fs)

Gene: CARD14 (caspase recruitment domain family member 14; plus strand). Cytogenetic location: 17q25.3.
Variant type: Duplication.
Coding change: c.1824_1825dup on transcript NM_001366385.1 (MANE Select); coding-DNA positions 1824 to 1825, 2 bases duplicated (CT; older notation c.1824_1825dupCT).
Protein change: p.Leu609fs; shifts the reading frame from leucine 609.
Molecular consequence: frameshift variant. On other transcripts: non-coding transcript variant (1).
Genome position (GRCh38, 1-based): chr17:80,198,564-80,198,565, CT duplicated. VCF-style (leftmost placement, unchanged base first): chr17-80198563-C-CCT. GRCh37 (hg19) VCF-style: chr17-78172362-C-CCT.
Other names: c.1824_1825dup, p.Leu609fs (NM_001257970.1, NM_024110.4); c.1113_1114dup, p.Leu372fs (NM_052819.3); short protein forms L609fs, L372fs.
Identifiers: ClinVar variation 839410 (VCV000839410.1), dbSNP rs2040807292, ClinGen allele CA916083627.

ClinVar aggregate classification (germline): Uncertain significance (1 of 4 stars; one submission).

Conditions:
Pityriasis rubra pilaris (PRP). Also called: Pityriasis rubra pilaris--familial type. Identifiers: Orphanet 2897, MedGen C0032027, MONDO:0100017, OMIM 173200, MONDO:0008251.
Psoriasis 2. Identifiers: MedGen C1864497, MONDO:0011269, OMIM 602723.

Submission:

Labcorp Genetics (formerly Invitae), Labcorp
Classification: Uncertain significance for Pityriasis rubra pilaris; Psoriasis susceptibility 2. Last evaluated: 2019-01-22. Review status: criteria provided, single submitter. Criteria: Invitae Variant Classification Sherloc (09022015). Collection method: clinical testing. Allele origin: germline.
Comment: This sequence change creates a premature translational stop signal (p.Leu609Serfs*9) in the CARD14 gene. It is expected to result in an absent or disrupted protein product. This variant is not present in population databases (ExAC no frequency). This variant has not been reported in the literature in individuals with CARD14-related conditions. The current clinical and genetic evidence is not sufficient to establish whether loss-of-function variants in CARD14 cause disease. In summary, the available evidence is currently insufficient to determine the role of this variant in disease. Therefore, it has been classified as a Variant of Uncertain Significance.